The following is an entry in ClinVar:

ClinVar aggregate classification (germline): Uncertain significance (1 of 4 stars; one submission).

Conditions:
Developmental and epileptic encephalopathy, 27 (DEE27). Also called: GRIN2B-Related Neurodevelopmental Disorder; Epileptic encephalopathy, early infantile, 27. Identifiers: Orphanet 3451, MedGen C4015316, MONDO:0014505, OMIM 616139.
Intellectual developmental disorder, autosomal dominant 6, with or without seizures. Also called: Intellectual disability, autosomal dominant 6; GRIN2B-related developmental delay, intellectual disability and autism spectrum disorder. Identifiers: Orphanet 589547, MedGen C3151411, MONDO:0013509, OMIM 613970.

Allele frequency attached by ClinVar (database versions not stated): gnomAD exomes below 0.00001.
gnomAD v4.1: 1 of 1,613,930 alleles (0.000062%); highest among the groups gnomAD compares: Non-Finnish European, 0.000085%; no homozygotes.

Submission:

Labcorp Genetics (formerly Invitae), Labcorp
Classification: Uncertain significance for Developmental and epileptic encephalopathy, 27; Intellectual developmental disorder, autosomal dominant 6, with or without seizures. Last evaluated: 2022-03-31. Review status: criteria provided, single submitter. Criteria: Invitae Variant Classification Sherloc (09022015). Collection method: clinical testing. Allele origin: germline.
Comment: This variant has not been reported in the literature in individuals affected with GRIN2B-related conditions. This variant is not present in population databases (gnomAD no frequency). This sequence change replaces histidine, which is basic and polar, with arginine, which is basic and polar, at codon 895 of the GRIN2B protein (p.His895Arg). In summary, the available evidence is currently insufficient to determine the role of this variant in disease. Therefore, it has been classified as a Variant of Uncertain Significance. Advanced modeling of protein sequence and biophysical properties (such as structural, functional, and spatial information, amino acid conservation, physicochemical variation, residue mobility, and thermodynamic stability) performed at Invitae indicates that this missense variant is not expected to disrupt GRIN2B protein function.

NM_000834.5(GRIN2B):c.2684A>G (p.His895Arg)

Gene: GRIN2B (glutamate ionotropic receptor NMDA type subunit 2B; minus strand). Cytogenetic location: 12p13.1.
Variant type: single nucleotide variant.
Coding change: c.2684A>G on transcript NM_000834.5 (MANE Select); coding-DNA position 2684, A replaced by G.
Protein change: p.His895Arg; replaces histidine 895 with arginine.
Molecular consequence: missense variant.
Genome position (GRCh38, 1-based): chr12:13,564,554, T>C on the plus strand (A>G on the coding strand, the complement: GRIN2B is on the minus strand). VCF-style: chr12-13564554-T-C. GRCh37 (hg19) VCF-style: chr12-13717488-T-C.
Other names: c.2684A>G, p.His895Arg (NM_001413992.1); short protein forms H895R.
Identifiers: ClinVar variation 2099525 (VCV002099525.4), dbSNP rs2497471446, ClinGen allele CA383994313.
Genomic context (GRCh38, chr12:13,564,554, plus strand): 5'-TTCACACCAGACAGGTTAGCCATGTTCTTGGCCGTGCGCAGCAGGCGCAGGATGTTGGAG[T>C]GTGTGTTGTTCATGGTTGCGGTGGGGGAGTTCATTACAGACTGGCGCTCCTCGATCGCCA-3'
Protein context (NP_000825.2, residues 885-905): NSPTATMNNT[His895Arg]SNILRLLRTA